The following is an entry in ClinVar:

ClinVar aggregate classification (germline): Likely pathogenic (1 of 4 stars; one submission).

Conditions:
Alstrom syndrome (ALMS). Identifiers: Orphanet 64, MedGen C0268425, MONDO:0008763, OMIM 203800.

Submission:

Labcorp Genetics (formerly Invitae), Labcorp
Classification: Likely pathogenic for Alstrom syndrome. Last evaluated: 2023-06-03. Review status: criteria provided, single submitter. Criteria: Invitae Variant Classification Sherloc (09022015). Collection method: clinical testing. Allele origin: germline.
Comment: Algorithms developed to predict the effect of sequence changes on RNA splicing suggest that this variant may disrupt the consensus splice site. This sequence change affects a splice site in intron 20 of the ALMS1 gene. It is expected to disrupt RNA splicing. Variants that disrupt the donor or acceptor splice site typically lead to a loss of protein function (PMID: 16199547), and loss-of-function variants in ALMS1 are known to be pathogenic (PMID: 17594715). This variant is not present in population databases (gnomAD no frequency). This variant has not been reported in the literature in individuals affected with ALMS1-related conditions. In summary, the currently available evidence indicates that the variant is pathogenic, but additional data are needed to prove that conclusively. Therefore, this variant has been classified as Likely Pathogenic.

Literature cited by the submitters: PubMed 16199547; PubMed 17594715.

NM_001378454.1(ALMS1):c.12299-1del

Gene: ALMS1 (ALMS1 centrosome and basal body associated protein; plus strand). Cytogenetic location: 2p13.1.
Variant type: Deletion.
Coding change: c.12299-1del on transcript NM_001378454.1 (MANE Select); the canonical splice acceptor site of the intron before coding-DNA position 12299, one base deleted (G; older notation c.12299-1delG).
Molecular consequence: splice acceptor variant.
Genome position (GRCh38, 1-based): chr2:73,603,240, G deleted. VCF-style (leftmost placement, unchanged base first): chr2-73603239-AG-A. GRCh37 (hg19) VCF-style: chr2-73830366-AG-A.
Other names: c.12299-1del (NM_015120.4).
Identifiers: ClinVar variation 2864460 (VCV002864460.3), dbSNP rs2466529554, ClinGen allele CA2739271112.